The following is an entry in ClinVar:

NM_003002.4(SDHD):c.88C>G (p.His30Asp)

Gene: SDHD (succinate dehydrogenase complex subunit D; plus strand). Cytogenetic location: 11q23.1.
Variant type: single nucleotide variant.
Coding change: c.88C>G on transcript NM_003002.4 (MANE Select); coding-DNA position 88, C replaced by G.
Protein change: p.His30Asp; replaces histidine 30 with aspartic acid.
Molecular consequence: missense variant. On other transcripts: non-coding transcript variant (1), intron variant (1).
Genome position (GRCh38, 1-based): chr11:112,087,892, C>G. VCF-style: chr11-112087892-C-G. GRCh37 (hg19) VCF-style: chr11-111958616-C-G.
Other names: c.88C>G, p.His30Asp (NM_001276503.2, NM_001276506.2); c.52+933C>G (NM_001276504.2); short protein forms H30D.
Identifiers: ClinVar variation 3438796 (VCV003438796.1).

ClinVar aggregate classification (germline): Uncertain significance (1 of 4 stars; one submission).

Conditions:
Hereditary cancer-predisposing syndrome. Also called: Tumor predisposition; Neoplastic Syndromes, Hereditary; Hereditary neoplastic syndrome; Hereditary Cancer Syndrome. Identifiers: Orphanet 140162, MedGen C0027672, MeSH D009386, MONDO:0015356.

Submission:

Ambry Genetics
Classification: Uncertain significance for Hereditary cancer-predisposing syndrome. Last evaluated: 2024-09-08. Review status: criteria provided, single submitter. Criteria: Ambry Variant Classification Scheme 2023. Collection method: clinical testing. Allele origin: germline.
Comment: The p.H30D variant (also known as c.88C>G), located in coding exon 2 of the SDHD gene, results from a C to G substitution at nucleotide position 88. The histidine at codon 30 is replaced by aspartic acid, an amino acid with similar properties. This amino acid position is conserved. In addition, the in silico prediction for this alteration is inconclusive. Based on the available evidence, the clinical significance of this variant remains unclear.